The following is an entry in ClinVar:

NM_000059.4(BRCA2):c.5205del (p.Lys1735fs)

Gene: BRCA2 (BRCA2 DNA repair associated; plus strand). Cytogenetic location: 13q13.1.
Variant type: Deletion.
Coding change: c.5205del on transcript NM_000059.4 (MANE Select); coding-DNA position 5205, one base deleted (A; older notation c.5205delA).
Protein change: p.Lys1735fs; shifts the reading frame from lysine 1735.
Molecular consequence: frameshift variant.
Genome position (GRCh38, 1-based): chr13:32,339,560, A deleted; the last of 5 consecutive A bases (chr13:32,339,556-32,339,560); deleting any one gives the same sequence. VCF-style (leftmost placement, unchanged base first): chr13-32339555-GA-G. GRCh37 (hg19) VCF-style: chr13-32913692-GA-G.
Other names: 5430delA; short protein forms K1735fs.
Identifiers: ClinVar variation 266859 (VCV000266859.5), dbSNP rs483353082, ClinGen allele CA10589296.
Genomic context (GRCh38, chr13:32,339,555, plus strand): 5'-TATTTGTATGAAAATAATTCAAACAGTACTATAGCTGAAAATGACAAAAATCATCTCTCC[GA>G]AAAACAAGATACTTATTTAAGTAACAGTAGCATGTCTAACAGCTATTCCTACCATTCTGA-3'

ClinVar aggregate classification (germline): Pathogenic. Review status: reviewed by expert panel (3 of 4 stars). 2 submissions from 2 submitters: Pathogenic (1). 1 of the submissions does not count toward it. Last evaluated 2016-10-18.

Conditions:
Breast-ovarian cancer, familial, susceptibility to, 2 (BROVCA2). Also called: BRCA2 Hereditary Breast and Ovarian Cancer. Identifiers: Orphanet 145, MedGen C2675520, MONDO:0012933, OMIM 612555. Disease mechanism: loss of function.

Submissions (2):

Evidence-based Network for the Interpretation of Germline Mutant Alleles (ENIGMA)
Classification: Pathogenic for Breast-ovarian cancer, familial, susceptibility to, 2. Last evaluated: 2016-10-18. Review status: reviewed by expert panel. Criteria: ENIGMA BRCA1/2 Classification Criteria (2015). Collection method: curation. Allele origin: germline.
Comment: Variant allele predicted to encode a truncated non-functional protein.

Consortium of Investigators of Modifiers of BRCA1/2 (CIMBA), c/o University of Cambridge
Classification: Pathogenic for Breast-ovarian cancer, familial, susceptibility to, 2. Last evaluated: 2015-10-02. Review status: criteria provided, single submitter. Criteria: CIMBA Mutation Classification guidelines May 2016. Collection method: clinical testing. Allele origin: germline. Not counted in ClinVar's aggregate classification.